The following is an entry in ClinVar:

ClinVar aggregate classification (germline): Uncertain significance (1 of 4 stars; one submission).

Allele frequency attached by ClinVar (database versions not stated): ExAC 0.00001; TOPMed 0.00001.
gnomAD v4.1: 2 of 1,614,218 alleles (0.00012%); highest among the groups gnomAD compares: Non-Finnish European, 0.00017%; no homozygotes.

Submission:

Labcorp Genetics (formerly Invitae), Labcorp
Classification: Uncertain significance. Last evaluated: 2023-08-11. Review status: criteria provided, single submitter. Criteria: Invitae Variant Classification Sherloc (09022015). Collection method: clinical testing. Allele origin: germline.
Comment: This variant is present in population databases (rs761313867, gnomAD 0.0009%). This sequence change replaces valine, which is neutral and non-polar, with methionine, which is neutral and non-polar, at codon 1459 of the SPTBN2 protein (p.Val1459Met). This variant has not been reported in the literature in individuals affected with SPTBN2-related conditions. Advanced modeling of protein sequence and biophysical properties (such as structural, functional, and spatial information, amino acid conservation, physicochemical variation, residue mobility, and thermodynamic stability) performed at Invitae indicates that this missense variant is not expected to disrupt SPTBN2 protein function. In summary, the available evidence is currently insufficient to determine the role of this variant in disease. Therefore, it has been classified as a Variant of Uncertain Significance.

NM_006946.4(SPTBN2):c.4375G>A (p.Val1459Met)

Gene: SPTBN2 (spectrin beta, non-erythrocytic 2; minus strand). Cytogenetic location: 11q13.2.
Variant type: single nucleotide variant.
Coding change: c.4375G>A on transcript NM_006946.4 (MANE Select); coding-DNA position 4375, G replaced by A.
Protein change: p.Val1459Met; replaces valine 1459 with methionine.
Molecular consequence: missense variant.
Genome position (GRCh38, 1-based): chr11:66,694,267, C>T on the plus strand (G>A on the coding strand, the complement: SPTBN2 is on the minus strand). VCF-style: chr11-66694267-C-T. GRCh37 (hg19) VCF-style: chr11-66461738-C-T.
Other names: c.4396G>A, p.Val1466Met (NM_001411025.1); short protein forms V1466M, V1459M.
Identifiers: ClinVar variation 2776935 (VCV002776935.3), dbSNP rs761313867, ClinGen allele CA6128604.